The following is an entry in ClinVar:

ClinVar aggregate classification (germline): Benign/Likely benign. Review status: criteria provided, multiple submitters, no conflicts (2 of 4 stars). 4 submissions from 4 submitters: Benign (1); Likely benign (3). Last evaluated 2026-01-28.

Conditions:
Kufor-Rakeb syndrome (KRS). Also called: PARKINSON DISEASE 9, AUTOSOMAL RECESSIVE, JUVENILE-ONSET. Identifiers: Orphanet 306674, Orphanet 314632, MedGen C1847640, MONDO:0011706, OMIM 606693.
Autosomal recessive spastic paraplegia type 78. Identifiers: Orphanet 513436, MedGen C5567893, MONDO:0014975, OMIM 617225.

Allele frequency attached by ClinVar (database versions not stated): gnomAD 0.00006 and 0.00013; TOPMed 0.00014; gnomAD exomes 0.00024 and 0.00030; ExAC 0.00041; 1000 Genomes Project 30x 0.00047; 1000 Genomes Project 0.00080.
gnomAD v4.1: 362 of 1,606,012 alleles (0.023%); highest among the groups gnomAD compares: East Asian, 0.74%; 3 homozygotes.

Submissions (4):

Labcorp Genetics (formerly Invitae), Labcorp
Classification: Benign for Kufor-Rakeb syndrome; Autosomal recessive spastic paraplegia type 78. Last evaluated: 2026-01-28. Review status: criteria provided, single submitter. Criteria: Invitae Variant Classification Sherloc (09022015). Collection method: clinical testing. Allele origin: germline.

Blueprint Genetics
Classification: Likely benign. Last evaluated: 2023-10-27. Review status: criteria provided, single submitter. Criteria: ACMG Guidelines, 2015. Collection method: clinical testing. Allele origin: germline.

Fulgent Genetics
Classification: Likely benign for Kufor-Rakeb syndrome; Autosomal recessive spastic paraplegia type 78. Last evaluated: 2021-10-07. Review status: criteria provided, single submitter. Criteria: ACMG Guidelines, 2015. Collection method: clinical testing. Allele origin: unknown.

Illumina Laboratory Services, Illumina
Classification: Likely benign for Kufor-Rakeb syndrome. Last evaluated: 2018-01-13. Review status: criteria provided, single submitter. Criteria: ICSL Variant Classification Criteria 13 December 2019. Collection method: clinical testing. Allele origin: germline.
Comment: This variant was observed in the ICSL laboratory as part of a predisposition screen in an ostensibly healthy population. It had not been previously curated by ICSL or reported in the Human Gene Mutation Database (HGMD: prior to June 1st, 2018), and was therefore a candidate for classification through an automated scoring system. Utilizing variant allele frequency, disease prevalence and penetrance estimates, and inheritance mode, an automated score was calculated to assess if this variant is too frequent to cause the disease. Based on the score and internal cut-off values, a variant classified as likely benign is not then subjected to further curation. The score for this variant resulted in a classification of likely benign for this disease.

NM_022089.4(ATP13A2):c.2529+9G>A

Gene: ATP13A2 (ATPase cation transporting 13A2; minus strand). Cytogenetic location: 1p36.13.
Variant type: single nucleotide variant.
Coding change: c.2529+9G>A on transcript NM_022089.4 (MANE Select); 9 bases into the intron after coding-DNA position 2529, G replaced by A.
Molecular consequence: intron variant.
Genome position (GRCh38, 1-based): chr1:16,989,878, C>T on the plus strand (G>A on the coding strand, the complement: ATP13A2 is on the minus strand). VCF-style: chr1-16989878-C-T. GRCh37 (hg19) VCF-style: chr1-17316373-C-T.
Other names: c.2398-108G>A (NM_001141974.3); c.2514+9G>A (NM_001141973.3).
Identifiers: ClinVar variation 293778 (VCV000293778.16), dbSNP rs200809857, ClinGen allele CA636810.